The following is an entry in ClinVar:

ClinVar aggregate classification (germline): Uncertain significance (1 of 4 stars; one submission).

Allele frequency attached by ClinVar (database versions not stated): gnomAD exomes below 0.00001.
gnomAD v4.1: 1 of 1,614,082 alleles (0.000062%); highest among the groups gnomAD compares: Non-Finnish European, 0.000085%; no homozygotes.

Submission:

GeneDx
Classification: Uncertain significance. Last evaluated: 2019-12-12. Review status: criteria provided, single submitter. Criteria: GeneDx Variant Classification Process June 2021. Collection method: clinical testing. Allele origin: germline. Affected: yes.
Comment: Not observed in large population cohorts (Lek et al., 2016); In silico analysis, which includes protein predictors and evolutionary conservation, supports that this variant does not alter protein structure/function; Has not been previously published as pathogenic or benign to our knowledge

NM_014159.7(SETD2):c.2038G>A (p.Glu680Lys)

Gene: SETD2 (SET domain containing 2, histone lysine methyltransferase; minus strand). Cytogenetic location: 3p21.31.
Variant type: single nucleotide variant.
Coding change: c.2038G>A on transcript NM_014159.7 (MANE Select); coding-DNA position 2038, G replaced by A.
Protein change: p.Glu680Lys; replaces glutamic acid 680 with lysine.
Molecular consequence: missense variant. On other transcripts: non-coding transcript variant (1).
Genome position (GRCh38, 1-based): chr3:47,122,598, C>T on the plus strand (G>A on the coding strand, the complement: SETD2 is on the minus strand). VCF-style: chr3-47122598-C-T. GRCh37 (hg19) VCF-style: chr3-47164088-C-T.
Other names: c.1906G>A, p.Glu636Lys (NM_001349370.3); short protein forms E636K, E680K.
Identifiers: ClinVar variation 1311101 (VCV001311101.2), dbSNP rs2106682546, ClinGen allele CA352528108.